The following is an entry in ClinVar:

ClinVar aggregate classification (germline): Benign/Likely benign. Review status: criteria provided, multiple submitters, no conflicts (2 of 4 stars). 3 submissions from 3 submitters: Benign (1); Likely benign (2). Last evaluated 2025-11-17.

Conditions:
Tuberous sclerosis 2 (TSC2). Identifiers: Orphanet 805, MedGen C1860707, MONDO:0013199, OMIM 613254.
Lymphangiomyomatosis (LAM). Also called: Lymphangioleiomyomatosis; Lymphangioleiomyomatosis, somatic. Identifiers: Orphanet 538, MedGen C0751674, MONDO:0011705, OMIM 606690.
Isolated focal cortical dysplasia type II (FCORD2). Also called: CORTICAL DYSPLASIA OF TAYLOR; Focal cortical dysplasia type II. Identifiers: Orphanet 268994, MedGen C1846385, MONDO:0011818, OMIM 607341, HP:0032051.

Allele frequency attached by ClinVar (database versions not stated): gnomAD exomes below 0.00001 and 0.00002; gnomAD 0.00001; TOPMed 0.00001; ExAC 0.00003; ESP Exome Variant Server 0.00008.
gnomAD v4.1: 9 of 1,608,976 alleles (0.00056%); highest among the groups gnomAD compares: African/African-American, 0.0067%; no homozygotes.

Submissions (3):

Labcorp Genetics (formerly Invitae), Labcorp
Classification: Likely benign for Tuberous sclerosis 2. Last evaluated: 2025-11-17. Review status: criteria provided, single submitter. Criteria: Invitae Variant Classification Sherloc (09022015). Collection method: clinical testing. Allele origin: germline.

Myriad Genetics, Inc.
Classification: Benign for Tuberous sclerosis 2. Last evaluated: 2024-09-05. Review status: criteria provided, single submitter. Criteria: Myriad Autosomal Dominant, Autosomal Recessive and X-Linked Classification Criteria (2023). Collection method: clinical testing. Allele origin: unknown.
Comment: This variant is considered benign. This variant is intronic and is not expected to impact mRNA splicing. This variant has been observed at a population frequency that is significantly greater than expected given the associated disease prevalence and penetrance.

Fulgent Genetics
Classification: Likely benign for Lymphangiomyomatosis; Isolated focal cortical dysplasia type II; Tuberous sclerosis 2. Last evaluated: 2022-04-14. Review status: criteria provided, single submitter. Criteria: ACMG Guidelines, 2015. Collection method: clinical testing. Allele origin: unknown.

NM_000548.5(TSC2):c.4850-12G>A

Gene: TSC2 (TSC complex subunit 2; plus strand). Cytogenetic location: 16p13.3.
Variant type: single nucleotide variant.
Coding change: c.4850-12G>A on transcript NM_000548.5 (MANE Select); 12 bases into the intron before coding-DNA position 4850, G replaced by A.
Molecular consequence: intron variant.
Genome position (GRCh38, 1-based): chr16:2,086,720, G>A. VCF-style: chr16-2086720-G-A. GRCh37 (hg19) VCF-style: chr16-2136721-G-A.
Other names: c.4781-12G>A (NM_001114382.3); c.4721-12G>A (NM_021055.3, NM_001370405.1); c.4652-12G>A (NM_001363528.2); c.4718-12G>A (NM_001370404.1); c.4649-12G>A (NM_001077183.3); c.4541-12G>A (NM_001318827.2); c.4118-12G>A (NM_001318831.2); c.4505-12G>A (NM_001318829.2); and 1 more.
Identifiers: ClinVar variation 1627691 (VCV001627691.13), dbSNP rs371810493, ClinGen allele CA052822.